The following is an entry in ClinVar:

ClinVar aggregate classification (germline): Pathogenic (1 of 4 stars; one submission).

Submission:

Labcorp Genetics (formerly Invitae), Labcorp
Classification: Pathogenic. Last evaluated: 2025-06-12. Review status: criteria provided, single submitter. Criteria: Invitae Variant Classification Sherloc (09022015). Collection method: clinical testing. Allele origin: germline.
Comment: This sequence change creates a premature translational stop signal (p.Asp467Phefs*19) in the NSUN2 gene. It is expected to result in an absent or disrupted protein product. Loss-of-function variants in NSUN2 are known to be pathogenic (PMID: 22541559, 22577224). This variant is not present in population databases (gnomAD no frequency). This variant has not been reported in the literature in individuals affected with NSUN2-related conditions. ClinVar contains an entry for this variant (Variation ID: 2858490). For these reasons, this variant has been classified as Pathogenic.

Literature cited by the submitters: PubMed 22541559; PubMed 22577224.

NM_017755.6(NSUN2):c.1398_1399delinsCTTCTGTTTTTTTTTTTATCTATCATGTTCACAAAGTAAAAGTTTACTTTCTCCTTAAATTAAAAGATTGAGTAACCTCTAAAGTTTC (p.Asp467delinsPheCysPhePhePheTyrLeuSerCysSerGlnSerLysSerLeuLeuSerProTer)

Gene: NSUN2 (NOP2/Sun RNA methyltransferase 2; minus strand). Cytogenetic location: 5p15.31.
Variant type: Indel.
Coding change: c.1398_1399delinsCTTCTGTTTTTTTTTTTATCTATCATGTTCACAAAGTAAAAGTTTACTTTCTCCTTAAATTAAAAGATTGAGTAACCTCTAAAGTTTC on transcript NM_017755.6 (MANE Select); coding-DNA positions 1398 to 1399, the reference bases replaced by an inserted sequence.
Protein change: p.Asp467delinsPheCysPhePhePheTyrLeuSerCysSerGlnSerLysSerLeuLeuSerProTer.
Molecular consequence: nonsense. On other transcripts: non-coding transcript variant (1).
Genome position (GRCh38, 1-based): chr5:6,607,309-6,607,310, 2 bases replaced. GRCh37 (hg19): chr5:6,607,422-6,607,423.
Other names: c.1293_1294delinsCTTCTGTTTTTTTTTTTATCTATCATGTTCACAAAGTAAAAGTTTACTTTCTCCTTAAATTAAAAGATTGAGTAACCTCTAAAGTTTC, p.Asp432delinsPheCysPhePhePheTyrLeuSerCysSerGlnSerLysSerLeuLeuSerProTer (NM_001193455.2).
Identifiers: ClinVar variation 2858490 (VCV002858490.3), dbSNP rs2477415302, ClinGen allele CA2739274532.